The following is an entry in ClinVar:

ClinVar aggregate classification (germline): Conflicting classifications of pathogenicity. Review status: criteria provided, conflicting classifications (1 of 4 stars). 4 submissions from 4 submitters: Uncertain significance (3); Likely benign (1). Last evaluated 2025-11-01.

Conditions:
Singleton-Merten syndrome 1 (SGMRT1). Also called: Widened medullary cavities of bone, aortic calcification, abnormal dentition, and muscular weakness; Syndrome of widened medullary cavities of the metacarpals and phalanges, aortic calcification and abnormal dentition. Identifiers: Orphanet 85191, MedGen C4225427, MONDO:0024535, OMIM 182250.
Aicardi-Goutieres syndrome 7 (AGS7). Identifiers: Orphanet 51, MedGen C3888244, MONDO:0014367, OMIM 615846.
Inborn genetic diseases. Identifiers: MedGen C0950123, MeSH D030342.

Allele frequency attached by ClinVar (database versions not stated): gnomAD exomes below 0.00001; gnomAD 0.00001; TOPMed 0.00001.
gnomAD v4.1: 8 of 1,614,080 alleles (0.0005%); highest among the groups gnomAD compares: Middle Eastern, 0.082%; no homozygotes.

Submissions (4):

Labcorp Genetics (formerly Invitae), Labcorp
Classification: Uncertain significance for Aicardi-Goutieres syndrome 7; Singleton-Merten syndrome 1. Last evaluated: 2025-11-01. Review status: criteria provided, single submitter. Criteria: Invitae Variant Classification Sherloc (09022015). Collection method: clinical testing. Allele origin: germline.
Comment: This sequence change replaces threonine, which is neutral and polar, with asparagine, which is neutral and polar, at codon 52 of the IFIH1 protein (p.Thr52Asn). This variant is not present in population databases (gnomAD no frequency). This variant has not been reported in the literature in individuals affected with IFIH1-related conditions. ClinVar contains an entry for this variant (Variation ID: 1058635). Invitae Evidence Modeling incorporating data from in vitro experimental studies (internal data) indicates that this missense variant is not expected to disrupt IFIH1 function with a negative predictive value of 80%. In summary, the available evidence is currently insufficient to determine the role of this variant in disease. Therefore, it has been classified as a Variant of Uncertain Significance.

Ambry Genetics
Classification: Uncertain significance for Inborn genetic diseases. Last evaluated: 2024-06-17. Review status: criteria provided, single submitter. Criteria: Ambry Variant Classification Scheme 2023. Collection method: clinical testing. Allele origin: germline.

Revvity Omics, Revvity
Classification: Uncertain significance. Last evaluated: 2022-11-11. Review status: criteria provided, single submitter. Criteria: ACMG Guidelines, 2015. Collection method: clinical testing. Allele origin: germline.

Blueprint Genetics
Classification: Likely benign. Last evaluated: 2019-11-14. Review status: criteria provided, single submitter. Criteria: ACMG Guidelines, 2015. Collection method: clinical testing. Allele origin: germline.

NM_022168.4(IFIH1):c.155C>A (p.Thr52Asn)

Gene: IFIH1 (interferon induced with helicase C domain 1; minus strand). Cytogenetic location: 2q24.2.
Variant type: single nucleotide variant.
Coding change: c.155C>A on transcript NM_022168.4 (MANE Select); coding-DNA position 155, C replaced by A.
Protein change: p.Thr52Asn; replaces threonine 52 with asparagine.
Molecular consequence: missense variant.
Genome position (GRCh38, 1-based): chr2:162,318,153, G>T on the plus strand (C>A on the coding strand, the complement: IFIH1 is on the minus strand). VCF-style: chr2-162318153-G-T. GRCh37 (hg19) VCF-style: chr2-163174663-G-T.
Other names: c.155C>A (NM_022168.2); short protein forms T52N.
Identifiers: ClinVar variation 1058635 (VCV001058635.11), dbSNP rs1683546966, ClinGen allele CA349014091.
Genomic context (GRCh38, chr2:162,318,153, plus strand): 5'-TGCCAGACTCCCTTCTCCAAGGTGCTCAGCAGCAGTTCAACTGCCTGCATGTTCCCGGAG[G>T]TGGCGACTGTCCTCTGAATCTGCTCCTTCACCTCTGCAGGCAGAAAGGTCAGGTAGTCCA-3'
Protein context (NP_071451.2, residues 42-62): VKEQIQRTVA[Thr52Asn]SGNMQAVELL